The following is an entry in ClinVar:

NM_024747.6(HPS6):c.1784G>A (p.Trp595Ter)

Gene: HPS6 (HPS6 biogenesis of lysosomal organelles complex 2 subunit 3; plus strand). Cytogenetic location: 10q24.32.
Variant type: single nucleotide variant.
Coding change: c.1784G>A on transcript NM_024747.6 (MANE Select); coding-DNA position 1784, G replaced by A.
Protein change: p.Trp595Ter; replaces tryptophan 595 with a stop codon.
Molecular consequence: nonsense.
Genome position (GRCh38, 1-based): chr10:102,067,258, G>A. VCF-style: chr10-102067258-G-A. GRCh37 (hg19) VCF-style: chr10-103827015-G-A.
Other names: short protein forms W595*.
Identifiers: ClinVar variation 3590239 (VCV003590239.4).

ClinVar aggregate classification (germline): Pathogenic/Likely pathogenic. Review status: criteria provided, multiple submitters, no conflicts (2 of 4 stars). 2 submissions from 2 submitters: Pathogenic (1); Likely pathogenic (1). Last evaluated 2025-12-17.

Conditions:
Hermansky-Pudlak syndrome 6 (HPS6). Identifiers: Orphanet 231512, Orphanet 79430, MedGen C3888007, MONDO:0013558, OMIM 614075.

gnomAD v4.1: 6 of 1,612,560 alleles (0.00037%); highest among the groups gnomAD compares: African/African-American, 0.0013%; no homozygotes.

Submissions (2):

Labcorp Genetics (formerly Invitae), Labcorp
Classification: Pathogenic. Last evaluated: 2025-12-17. Review status: criteria provided, single submitter. Criteria: Invitae Variant Classification Sherloc (09022015). Collection method: clinical testing. Allele origin: germline.
Comment: This sequence change creates a premature translational stop signal (p.Trp595*) in the HPS6 gene. While this is not anticipated to result in nonsense mediated decay, it is expected to disrupt the last 181 amino acid(s) of the HPS6 protein. This variant is present in population databases (rs770907097, gnomAD no frequency). This variant has not been reported in the literature in individuals affected with HPS6-related conditions. ClinVar contains an entry for this variant (Variation ID: 3590239). This variant disrupts a region of the HPS6 protein in which other variant(s) (p.Gln680*) have been determined to be pathogenic (PMID: 27225848, 29054114). This suggests that this is a clinically significant region of the protein, and that variants that disrupt it are likely to be disease-causing. For these reasons, this variant has been classified as Pathogenic.

Fulgent Genetics
Classification: Likely pathogenic for Hermansky-Pudlak syndrome 6. Last evaluated: 2024-05-04. Review status: criteria provided, single submitter. Criteria: ACMG Guidelines, 2015. Collection method: clinical testing. Allele origin: germline.

Literature cited by the submitters: PubMed 27225848 (cited by Labcorp Genetics (formerly Invitae), Labcorp); PubMed 29054114 (cited by Labcorp Genetics (formerly Invitae), Labcorp).